The following is an entry in ClinVar:

NM_025137.4(SPG11):c.5150A>G (p.His1717Arg)

Gene: SPG11 (SPG11 vesicle trafficking associated, spatacsin; minus strand). Cytogenetic location: 15q21.1.
Variant type: single nucleotide variant.
Coding change: c.5150A>G on transcript NM_025137.4 (MANE Select); coding-DNA position 5150, A replaced by G.
Protein change: p.His1717Arg; replaces histidine 1717 with arginine.
Molecular consequence: missense variant.
Genome position (GRCh38, 1-based): chr15:44,584,530, T>C on the plus strand (A>G on the coding strand, the complement: SPG11 is on the minus strand). VCF-style: chr15-44584530-T-C. GRCh37 (hg19) VCF-style: chr15-44876728-T-C.
Other names: c.5150A>G, p.His1717Arg (NM_001160227.2); short protein forms H1717R.
Identifiers: ClinVar variation 1745671 (VCV001745671.3), dbSNP rs1351728335, ClinGen allele CA392223189.

ClinVar aggregate classification (germline): Uncertain significance. Review status: criteria provided, multiple submitters, no conflicts (2 of 4 stars). 2 submissions from 2 submitters: Uncertain significance (2). Last evaluated 2023-09-03.

Conditions:
Inborn genetic diseases. Identifiers: MedGen C0950123, MeSH D030342.
Hereditary spastic paraplegia 11. Also called: Nakamura Osame syndrome; Autosomal recessive hereditary spastic paraplegia, mental impairment, and thin corpus callosum; SPASTIC PARAPLEGIA, AUTOSOMAL RECESSIVE, COMPLICATED, WITH THIN CORPUS CALLOSUM; SPASTIC PARAPLEGIA, AUTOSOMAL RECESSIVE, WITH MENTAL IMPAIRMENT AND THIN CORPUS CALLOSUM; Spastic Paraplegia 11; Spastic paraplegia, mental retardation and thin corpus callosum. Identifiers: Orphanet 2822, MedGen C1858479, MONDO:0011445, OMIM 604360.

gnomAD v4.1: 5 of 1,612,330 alleles (0.00031%); highest among the groups gnomAD compares: Non-Finnish European, 0.00042%; no homozygotes.

Submissions (2):

Labcorp Genetics (formerly Invitae), Labcorp
Classification: Uncertain significance for Hereditary spastic paraplegia 11. Last evaluated: 2023-09-03. Review status: criteria provided, single submitter. Criteria: Invitae Variant Classification Sherloc (09022015). Collection method: clinical testing. Allele origin: germline.
Comment: In summary, the available evidence is currently insufficient to determine the role of this variant in disease. Therefore, it has been classified as a Variant of Uncertain Significance. Algorithms developed to predict the effect of missense changes on protein structure and function output the following: SIFT: "Not Available"; PolyPhen-2: "Benign"; Align-GVGD: "Not Available". The arginine amino acid residue is found in multiple mammalian species, which suggests that this missense change does not adversely affect protein function. ClinVar contains an entry for this variant (Variation ID: 1745671). This variant has not been reported in the literature in individuals affected with SPG11-related conditions. This variant is present in population databases (no rsID available, gnomAD 0.002%). This sequence change replaces histidine, which is basic and polar, with arginine, which is basic and polar, at codon 1717 of the SPG11 protein (p.His1717Arg).

Ambry Genetics
Classification: Uncertain significance for Inborn genetic diseases. Last evaluated: 2021-11-07. Review status: criteria provided, single submitter. Criteria: Ambry Variant Classification Scheme 2023. Collection method: clinical testing. Allele origin: germline.
Comment: The p.H1717R variant (also known as c.5150A>G), located in coding exon 30 of the SPG11 gene, results from an A to G substitution at nucleotide position 5150. The histidine at codon 1717 is replaced by arginine, an amino acid with highly similar properties. This amino acid position is not well conserved in available vertebrate species, and arginine is the reference amino acid in other vertebrate species. In addition, this alteration is predicted to be tolerated by in silico analysis. Since supporting evidence is limited at this time, the clinical significance of this alteration remains unclear.